The following is an entry in ClinVar:

ClinVar aggregate classification (germline): Likely benign (0 of 4 stars; one submission).

Conditions:
DISC1-related disorder. Also called: DISC1-related condition.

Allele frequency attached by ClinVar (database versions not stated): ExAC 0.00002; gnomAD 0.00003.
gnomAD v4.1: 50 of 1,614,082 alleles (0.0031%); highest among the groups gnomAD compares: Non-Finnish European, 0.0042%; no homozygotes.

Submission:

PreventionGenetics, part of Exact Sciences
Classification: Likely benign for DISC1-related condition. Last evaluated: 2023-10-20. Review status: no assertion criteria provided. Collection method: clinical testing. Allele origin: germline.
Comment: This variant is classified as likely benign based on ACMG/AMP sequence variant interpretation guidelines (Richards et al. 2015 PMID: 25741868, with internal and published modifications).

NM_018662.3(DISC1):c.342C>A (p.Thr114=)

Genes: DISC1 (DISC1 scaffold protein; plus strand), TSNAX-DISC1 (TSNAX-DISC1 readthrough (NMD candidate); plus strand). Cytogenetic location: 1q42.2.
Variant type: single nucleotide variant.
Coding change: c.342C>A on transcript NM_018662.3 (MANE Select); coding-DNA position 342, C replaced by A.
Protein change: p.Thr114=; no amino-acid change (threonine 114 retained).
Molecular consequence: synonymous variant. On other transcripts: non-coding transcript variant (8), intron variant (1).
Genome position (GRCh38, 1-based): chr1:231,694,100, C>A. VCF-style: chr1-231694100-C-A. GRCh37 (hg19) VCF-style: chr1-231829846-C-A.
Other names: c.342C>A, p.Thr114= (NM_001012957.2, NM_001012958.2, NM_001012959.2 and 18 more transcripts); c.68-55826C>A (NM_001164556.2).
Identifiers: ClinVar variation 3051085 (VCV003051085.2), dbSNP rs778827055, ClinGen allele CA1453583.
Genomic context (GRCh38, chr1:231,694,100, plus strand): 5'-GGTCCGGAGCCCTGTTTCCAAGAGTGCAGCAGCCCCTACTGTGACCTCTGTGAGAGGAAC[C>A]TCGGCGCACTTTGGGATTCAGCTCAGAGGTGGCACCAGATTGCCTGACAGGCTTAGCTGG-3'
Protein context (NP_061132.2, residues 104-124): AAPTVTSVRG[Thr114=]SAHFGIQLRG